The following is an entry in ClinVar:

ClinVar aggregate classification (germline): Uncertain significance. Review status: criteria provided, multiple submitters, no conflicts (2 of 4 stars). 2 submissions from 2 submitters: Uncertain significance (2). Last evaluated 2023-07-19.

Allele frequency attached by ClinVar (database versions not stated): ExAC 0.00003; gnomAD exomes 0.00003; TOPMed 0.00007; ESP Exome Variant Server 0.00008; gnomAD 0.00008.
gnomAD v4.1: 57 of 1,614,070 alleles (0.0035%); highest among the groups gnomAD compares: Middle Eastern, 0.049%; no homozygotes.

Submissions (2):

Ambry Genetics
Classification: Uncertain significance. Last evaluated: 2023-07-19. Review status: criteria provided, single submitter. Criteria: Ambry Variant Classification Scheme 2023. Collection method: clinical testing. Allele origin: germline.

Labcorp Genetics (formerly Invitae), Labcorp
Classification: Uncertain significance. Last evaluated: 2021-10-31. Review status: criteria provided, single submitter. Criteria: Invitae Variant Classification Sherloc (09022015). Collection method: clinical testing. Allele origin: germline.
Comment: This sequence change replaces arginine, which is basic and polar, with tryptophan, which is neutral and slightly polar, at codon 148 of the KIAA0556 protein (p.Arg148Trp). This variant is present in population databases (rs141639010, gnomAD 0.03%). This variant has not been reported in the literature in individuals affected with KIAA0556-related conditions. Algorithms developed to predict the effect of missense changes on protein structure and function are either unavailable or do not agree on the potential impact of this missense change (SIFT: "Deleterious"; PolyPhen-2: "Probably Damaging"; Align-GVGD: "Class C0"). In summary, the available evidence is currently insufficient to determine the role of this variant in disease. Therefore, it has been classified as a Variant of Uncertain Significance.

NM_015202.5(KATNIP):c.442C>T (p.Arg148Trp)

Gene: KATNIP (katanin interacting protein; plus strand). Cytogenetic location: 16p12.1.
Variant type: single nucleotide variant.
Coding change: c.442C>T on transcript NM_015202.5 (MANE Select); coding-DNA position 442, C replaced by T.
Protein change: p.Arg148Trp; replaces arginine 148 with tryptophan.
Molecular consequence: missense variant.
Genome position (GRCh38, 1-based): chr16:27,648,637, C>T. VCF-style: chr16-27648637-C-T. GRCh37 (hg19) VCF-style: chr16-27659958-C-T.
Other names: c.442C>T (NM_015202.2); short protein forms R148W.
Identifiers: ClinVar variation 1682050 (VCV001682050.4), dbSNP rs141639010, ClinGen allele CA7977328.
Genomic context (GRCh38, chr16:27,648,637, plus strand): 5'-TCTGAAATGGCCTGCATTTTTGTACAGAAATCTGTGCAGATCAGAACAGAAGCTGGCCCA[C>T]GGCTCCACATCGAACCTCCTGTGGACTATTCTGATGATTTTGAGCTGTGTGGGGATGTGA-3'
Protein context (NP_056017.4, residues 138-158): SVQIRTEAGP[Arg148Trp]LHIEPPVDYS